The following is an entry in ClinVar:

ClinVar aggregate classification (germline): Uncertain significance. Review status: criteria provided, multiple submitters, no conflicts (2 of 4 stars). 2 submissions from 2 submitters: Uncertain significance (2). Last evaluated 2024-12-03.

Allele frequency attached by ClinVar (database versions not stated): gnomAD 0.00013; TOPMed 0.00015; 1000 Genomes Project 30x 0.00031; 1000 Genomes Project 0.00040.
gnomAD v4.1: 36 of 1,613,770 alleles (0.0022%); highest among the groups gnomAD compares: Admixed American, 0.052%; no homozygotes.

Submissions (2):

Labcorp Genetics (formerly Invitae), Labcorp
Classification: Uncertain significance. Last evaluated: 2024-12-03. Review status: criteria provided, single submitter. Criteria: Invitae Variant Classification Sherloc (09022015). Collection method: clinical testing. Allele origin: germline.
Comment: This sequence change replaces tyrosine, which is neutral and polar, with cysteine, which is neutral and slightly polar, at codon 1574 of the HERC1 protein (p.Tyr1574Cys). This variant is present in population databases (rs564661124, gnomAD 0.04%). This variant has not been reported in the literature in individuals affected with HERC1-related conditions. ClinVar contains an entry for this variant (Variation ID: 2171553). Invitae Evidence Modeling of protein sequence and biophysical properties (such as structural, functional, and spatial information, amino acid conservation, physicochemical variation, residue mobility, and thermodynamic stability) indicates that this missense variant is not expected to disrupt HERC1 protein function with a negative predictive value of 80%. In summary, the available evidence is currently insufficient to determine the role of this variant in disease. Therefore, it has been classified as a Variant of Uncertain Significance.

GeneDx
Classification: Uncertain significance. Last evaluated: 2023-11-13. Review status: criteria provided, single submitter. Criteria: GeneDx Variant Classification Process June 2021. Collection method: clinical testing. Allele origin: germline. Affected: yes.
Comment: In silico analysis supports that this missense variant does not alter protein structure/function; Has not been previously published as pathogenic or benign to our knowledge

NM_003922.4(HERC1):c.4721A>G (p.Tyr1574Cys)

Gene: HERC1 (HECT and RLD domain containing E3 ubiquitin protein ligase family member 1; minus strand). Cytogenetic location: 15q22.31.
Variant type: single nucleotide variant.
Coding change: c.4721A>G on transcript NM_003922.4 (MANE Select); coding-DNA position 4721, A replaced by G.
Protein change: p.Tyr1574Cys; replaces tyrosine 1574 with cysteine.
Molecular consequence: missense variant.
Genome position (GRCh38, 1-based): chr15:63,698,912, T>C on the plus strand (A>G on the coding strand, the complement: HERC1 is on the minus strand). VCF-style: chr15-63698912-T-C. GRCh37 (hg19) VCF-style: chr15-63991111-T-C.
Other names: c.4721A>G (NM_003922.3); short protein forms Y1574C.
Identifiers: ClinVar variation 2171553 (VCV002171553.5), dbSNP rs564661124, ClinGen allele CA7605711.